The following is an entry in ClinVar:

NM_004380.3(CREBBP):c.5584G>C (p.Ala1862Pro)

Gene: CREBBP (CREB binding lysine acetyltransferase; minus strand). Cytogenetic location: 16p13.3.
Variant type: single nucleotide variant.
Coding change: c.5584G>C on transcript NM_004380.3 (MANE Select); coding-DNA position 5584, G replaced by C.
Protein change: p.Ala1862Pro; replaces alanine 1862 with proline.
Molecular consequence: missense variant.
Genome position (GRCh38, 1-based): chr16:3,729,463, C>G on the plus strand (G>C on the coding strand, the complement: CREBBP is on the minus strand). VCF-style: chr16-3729463-C-G. GRCh37 (hg19) VCF-style: chr16-3779464-C-G.
Other names: c.5470G>C, p.Ala1824Pro (NM_001079846.1); short protein forms A1862P, A1824P.
Identifiers: ClinVar variation 4854259 (VCV004854259.1).
Genomic context (GRCh38, chr16:3,729,463, plus strand): 5'-GACTCTGCTGAGGCACGTTGCGGGTGTTCATGGTGGCCATCCGCCGGCGCATGAGCTGGG[C>G]CTGCTGCAGGCGGTGCTGGATCTGCTGCTGGCGGAGCTTGTGTTTGATGTTGAGGCAGAA-3'
Protein context (NP_004371.2, residues 1852-1872): QQQIQHRLQQ[Ala1862Pro]QLMRRRMATM

ClinVar aggregate classification (germline): Uncertain significance (1 of 4 stars; one submission).

Conditions:
CREBBP-related disorder. Also called: CREBBP-related condition; CREBBP-related disorders.

Submission:

3billion
Classification: Uncertain significance for CREBBP-related disorder. Last evaluated: 2025-09-17. Review status: criteria provided, single submitter. Criteria: ACMG Guidelines, 2015. Collection method: clinical testing. Allele origin: germline. Affected: yes.
Comment: The variant is not observed in the gnomAD v4.1.0 dataset. Predicted Consequence/Location: Missense variant In silico tool predictions suggest damaging effect of the variant on gene or gene product [REVEL: 0.76 (>=0.6, sensitivity 0.68 and specificity 0.92); 3Cnet: 0.96 (> 0.75, sensitivity 0.96 and precision 0.92)]. The variant has been reported as of uncertain significance (PMID: 32732226). Therefore, this variant is classified as VUS according to the recommendation of ACMG/AMP guideline.